The following is an entry in ClinVar:

NM_000135.4(FANCA):c.3934+5G>A

Genes: FANCA (FA complementation group A; minus strand), ZNF276 (zinc finger protein 276; plus strand). Cytogenetic location: 16q24.3.
Variant type: single nucleotide variant.
Coding change: c.3934+5G>A on transcript NM_000135.4 (MANE Select); 5 bases into the intron after coding-DNA position 3934, G replaced by A.
Molecular consequence: intron variant. On other transcripts: 3 prime UTR variant (2), non-coding transcript variant (4).
Genome position (GRCh38, 1-based): chr16:89,739,989, C>T on the plus strand (G>A on the coding strand, the complement: FANCA is on the minus strand). VCF-style: chr16-89739989-C-T. GRCh37 (hg19) VCF-style: chr16-89806397-C-T.
Other names: c.3934+5G>A (NM_000135.3, NM_001286167.3); c.*1743C>T (NM_001113525.2, NM_152287.4).
Identifiers: ClinVar variation 2825172 (VCV002825172.4), dbSNP rs2062087654, ClinGen allele CA2241890192.

ClinVar aggregate classification (germline): Uncertain significance. Review status: criteria provided, single submitter (1 of 4 stars). 2 submissions from 2 submitters: Uncertain significance (1). 1 of the submissions does not count toward it. Last evaluated 2022-12-31.

Conditions:
Fanconi anemia (FA). Also called: Fanconi's anemia. Identifiers: Orphanet 84, MedGen C0015625, MeSH D005199, MONDO:0019391.

Allele frequency attached by ClinVar (database versions not stated): TOPMed below 0.00001.

Submissions (2):

Labcorp Genetics (formerly Invitae), Labcorp
Classification: Uncertain significance for Fanconi anemia. Last evaluated: 2022-12-31. Review status: criteria provided, single submitter. Criteria: Invitae Variant Classification Sherloc (09022015). Collection method: clinical testing. Allele origin: germline.
Comment: In summary, the available evidence is currently insufficient to determine the role of this variant in disease. Therefore, it has been classified as a Variant of Uncertain Significance. Variants that disrupt the consensus splice site are a relatively common cause of aberrant splicing (PMID: 17576681, 9536098). Algorithms developed to predict the effect of sequence changes on RNA splicing suggest that this variant may disrupt the consensus splice site. This variant has not been reported in the literature in individuals affected with FANCA-related conditions. This variant is not present in population databases (gnomAD no frequency). This sequence change falls in intron 39 of the FANCA gene. It does not directly change the encoded amino acid sequence of the FANCA protein. It affects a nucleotide within the consensus splice site.

Natera, Inc.
Classification: Uncertain significance for Fanconi anemia. Last evaluated: 2025-02-18. Review status: no assertion criteria provided. Collection method: clinical testing. Allele origin: germline. Not counted in ClinVar's aggregate classification.

Literature cited by the submitters: PubMed 17576681 (cited by Labcorp Genetics (formerly Invitae), Labcorp); PubMed 9536098 (cited by Labcorp Genetics (formerly Invitae), Labcorp).